The following is an entry in ClinVar:

ClinVar aggregate classification (germline): Uncertain significance (1 of 4 stars; one submission).

Conditions:
Bethlem myopathy 1A. Also called: MYOPATHY, BENIGN CONGENITAL, WITH CONTRACTURES; Bethlem myopathy 1; Bethlem Muscular Dystrophy. Identifiers: Orphanet 610, MedGen CN029274, MONDO:0024530, OMIM 158810.

gnomAD v4.1: 10 of 1,614,242 alleles (0.00062%); highest among the groups gnomAD compares: African/African-American, 0.0027%; no homozygotes.

Submission:

Labcorp Genetics (formerly Invitae), Labcorp
Classification: Uncertain significance for Bethlem myopathy 1A. Last evaluated: 2025-09-09. Review status: criteria provided, single submitter. Criteria: Invitae Variant Classification Sherloc (09022015). Collection method: clinical testing. Allele origin: germline.
Comment: This sequence change replaces arginine, which is basic and polar, with serine, which is neutral and polar, at codon 1769 of the COL6A3 protein (p.Arg1769Ser). This variant is not present in population databases (gnomAD no frequency). This variant has not been reported in the literature in individuals affected with COL6A3-related conditions. Invitae Evidence Modeling of protein sequence and biophysical properties (such as structural, functional, and spatial information, amino acid conservation, physicochemical variation, residue mobility, and thermodynamic stability) indicates that this missense variant is not expected to disrupt COL6A3 protein function with a negative predictive value of 80%. In summary, the available evidence is currently insufficient to determine the role of this variant in disease. Therefore, it has been classified as a Variant of Uncertain Significance.

NM_004369.4(COL6A3):c.5307G>C (p.Arg1769Ser)

Gene: COL6A3 (collagen type VI alpha 3 chain; minus strand). Cytogenetic location: 2q37.3.
Variant type: single nucleotide variant.
Coding change: c.5307G>C on transcript NM_004369.4 (MANE Select); coding-DNA position 5307, G replaced by C.
Protein change: p.Arg1769Ser; replaces arginine 1769 with serine.
Molecular consequence: missense variant.
Genome position (GRCh38, 1-based): chr2:237,366,880, C>G on the plus strand (G>C on the coding strand, the complement: COL6A3 is on the minus strand). VCF-style: chr2-237366880-C-G. GRCh37 (hg19) VCF-style: chr2-238275523-C-G.
Other names: c.3486G>C, p.Arg1162Ser (NM_057166.5); c.4689G>C, p.Arg1563Ser (NM_057167.4); short protein forms R1769S, R1563S, R1162S.
Identifiers: ClinVar variation 4720166 (VCV004720166.1).